The following is an entry in ClinVar:

ClinVar aggregate classification (germline): Uncertain significance (1 of 4 stars; one submission).

Conditions:
Inborn genetic diseases. Identifiers: MedGen C0950123, MeSH D030342.

Submission:

Ambry Genetics
Classification: Uncertain significance for Inborn genetic diseases. Last evaluated: 2023-02-13. Review status: criteria provided, single submitter. Criteria: Ambry Variant Classification Scheme 2023. Collection method: clinical testing. Allele origin: germline.
Comment: The c.2623G>A (p.G875S) alteration is located in exon 9 (coding exon 9) of the ARID1B gene. This alteration results from a G to A substitution at nucleotide position 2623, causing the glycine (G) at amino acid position 875 to be replaced by a serine (S). This variant was not reported in population-based cohorts in the Genome Aggregation Database (gnomAD). This amino acid position is well conserved in available vertebrate species. This alteration is predicted to be tolerated by in silico analysis. Based on insufficient or conflicting evidence, the clinical significance of this alteration remains unclear.

NM_001374828.1(ARID1B):c.2833G>A (p.Gly945Ser)

Gene: ARID1B (AT-rich interaction domain 1B; plus strand). Cytogenetic location: 6q25.3.
Variant type: single nucleotide variant.
Coding change: c.2833G>A on transcript NM_001374828.1 (MANE Select); coding-DNA position 2833, G replaced by A.
Protein change: p.Gly945Ser; replaces glycine 945 with serine.
Molecular consequence: missense variant.
Genome position (GRCh38, 1-based): chr6:157,148,695, G>A. VCF-style: chr6-157148695-G-A. GRCh37 (hg19) VCF-style: chr6-157469829-G-A.
Other names: c.2584G>A, p.Gly862Ser (NM_001346813.1); c.334G>A, p.Gly112Ser (NM_001363725.2); c.2872G>A, p.Gly958Ser (NM_001371656.1, NM_001374820.1); c.2833G>A, p.Gly945Ser (NM_017519.3); c.2623G>A, p.Gly875Ser (NM_020732.3); c.2410G>A, p.Gly804Ser (NM_175863.2); short protein forms G112S, G804S, G862S, G945S, G875S, G958S.
Identifiers: ClinVar variation 2475298 (VCV002475298.2), dbSNP rs2537885321, ClinGen allele CA366388754.